The following is an entry in ClinVar:

ClinVar aggregate classification (germline): Conflicting classifications of pathogenicity. Review status: criteria provided, conflicting classifications (1 of 4 stars). 8 submissions from 8 submitters: Uncertain significance (6); Benign (1); Likely benign (1). Last evaluated 2026-07-03.

Conditions:
DSP-related disorder. Also called: DSP-related disorders; DSP-related condition.
Cardiomyopathy (CMYO). Also called: Cardiomyopathies. Identifiers: Orphanet 167848, MedGen C0878544, MONDO:0004994, HP:0001638. Inheritance: Various modes of inheritance.
Arrhythmogenic cardiomyopathy with wooly hair and keratoderma. Also called: Arrhythmogenic cardiomyopathy with woolly hair and keratoderma; PALMOPLANTAR KERATODERMA WITH LEFT VENTRICULAR CARDIOMYOPATHY AND WOOLLY HAIR; Carvajal syndrome; Dilated cardiomyopathy with woolly hair and keratoderma. Identifiers: Orphanet 65282, MedGen C1854063, MONDO:0011581, OMIM 605676.
Cardiovascular phenotype. Identifiers: MedGen CN230736.
Arrhythmogenic right ventricular dysplasia 8 (ARVD8). Also called: ARRHYTHMOGENIC RIGHT VENTRICULAR DYSPLASIA, FAMILIAL, 8; ARRHYTHMOGENIC RIGHT VENTRICULAR CARDIOMYOPATHY 8; Arrhythmogenic Right Ventricular Dysplasia/Cardiomyopathy 8. Identifiers: MedGen C1843896, MONDO:0011831, OMIM 607450.
Keratosis palmoplantaris striata 2. Also called: Keratosis palmoplantaris striata II; KERATODERMA, PALMOPLANTAR, STRIATE FORM II; STRIATE PALMOPLANTAR KERATODERMA II. Identifiers: MedGen C1852127, MONDO:0013034, OMIM 612908.
Woolly hair-skin fragility syndrome (WHSF). Identifiers: Orphanet 293165, MedGen C1843292, MONDO:0957307, OMIM 620415.
Cardiomyopathy, dilated, with wooly hair, keratoderma, and tooth agenesis. Also called: Erythrokeratodermia-cardiomyopathy syndrome; Cardiomyopathy, dilated, with woolly hair, keratoderma, and tooth agenesis. Identifiers: Orphanet 476096, Orphanet 65282, MedGen C4014393, MONDO:0014355, OMIM 615821.
Lethal acantholytic epidermolysis bullosa (EBLA). Identifiers: Orphanet 158687, MedGen C1864826, MONDO:0012323, OMIM 609638.

Allele frequency attached by ClinVar (database versions not stated): TOPMed 0.00002; gnomAD exomes 0.00003 and 0.00002; gnomAD 0.00005; ExAC 0.00002.
gnomAD v4.1: 46 of 1,613,226 alleles (0.0029%); highest among the groups gnomAD compares: African/African-American, 0.0053%; no homozygotes.

Submissions (8):

Ambry Genetics
Classification: Uncertain significance for Cardiovascular phenotype. Last evaluated: 2026-07-03. Review status: criteria provided, single submitter. Criteria: Ambry Variant Classification Scheme 2023. Collection method: clinical testing. Allele origin: germline.
Comment: The c.5285G>A (p.R1762Q) alteration is located in exon 23 (coding exon 23) of the DSP gene. This alteration results from a G to A substitution at nucleotide position 5285, causing the arginine (R) at amino acid position 1762 to be replaced by a glutamine (Q). Based on data from gnomAD, the A allele has an overall frequency of 0.003% (7/282006) total alleles studied. The highest observed frequency was 0.008% (2/24924) of African alleles. Based on insufficient or conflicting evidence, the clinical significance of this alteration remains unclear.

PreventionGenetics, part of Exact Sciences
Classification: Uncertain significance for DSP-related condition. Last evaluated: 2026-02-19. Review status: criteria provided, single submitter. Criteria: ACMG Guidelines, 2015. Collection method: clinical testing. Allele origin: germline.
Comment: The DSP c.5285G>A variant is predicted to result in the amino acid substitution p.Arg1762Gln. This variant has been reported as a variant of uncertain significance in an individual with dilated cardiomyopathy (Table S9, McGurk et al. 2023. PubMed ID: 37652022). This variant is reported in 0.0080% of alleles in individuals of African descent in gnomAD. At this time, the clinical significance of this variant is uncertain due to the absence of conclusive functional and genetic evidence.

Color Diagnostics, LLC DBA Color Health
Classification: Uncertain significance for Cardiomyopathy. Last evaluated: 2025-12-08. Review status: criteria provided, single submitter. Criteria: ACMG Guidelines, 2015. Collection method: clinical testing. Allele origin: germline.
Comment: This missense variant replaces arginine with glutamine at codon 1762 of the DSP protein. Computational prediction suggests that this variant may not impact protein structure and function. To our knowledge, functional studies have not been reported for this variant. This variant has not been reported in individuals affected with cardiovascular disorders in the literature. This variant has been identified in 7/282006 chromosomes in the general population by the Genome Aggregation Database (gnomAD). The available evidence is insufficient to determine the role of this variant in disease conclusively. Therefore, this variant is classified as a Variant of Uncertain Significance.

Labcorp Genetics (formerly Invitae), Labcorp
Classification: Benign for Arrhythmogenic cardiomyopathy with wooly hair and keratoderma; Arrhythmogenic right ventricular dysplasia 8. Last evaluated: 2025-10-18. Review status: criteria provided, single submitter. Criteria: Invitae Variant Classification Sherloc (09022015). Collection method: clinical testing. Allele origin: germline.

All of Us Research Program, National Institutes of Health
Classification: Uncertain significance for Arrhythmogenic cardiomyopathy with wooly hair and keratoderma. Last evaluated: 2024-07-10. Review status: criteria provided, single submitter. Criteria: ACMG Guidelines, 2015. Collection method: clinical testing. Allele origin: germline. Inheritance: Autosomal dominant inheritance. Observed: 6 variant alleles, 6 heterozygotes.
Comment: This missense variant replaces arginine with glutamine at codon 1762 of the DSP protein. Computational prediction suggests that this variant may not impact protein structure and function (internally defined REVEL score threshold <= 0.5, PMID: 27666373). To our knowledge, functional studies have not been reported for this variant. This variant has not been reported in individuals affected with cardiovascular disorders in the literature. This variant has been identified in 7/282006 chromosomes in the general population by the Genome Aggregation Database (gnomAD). The available evidence is insufficient to determine the role of this variant in disease conclusively. Therefore, this variant is classified as a Variant of Uncertain Significance.

This study involves interpretation of variants in research participants for the purpose of population health screening. Participant phenotype was not available at the time of variant classification. Additional details can be found in publication PMID: 35346344, PMCID: PMC8962531

GeneDx
Classification: Uncertain significance. Last evaluated: 2022-04-18. Review status: criteria provided, single submitter. Criteria: GeneDx Variant Classification Process June 2021. Collection method: clinical testing. Allele origin: germline. Affected: yes.
Comment: Has not been previously published as pathogenic or benign to our knowledge; In silico analysis supports that this missense variant does not alter protein structure/function; This variant is associated with the following publications: (PMID: 27535533)

Fulgent Genetics
Classification: Uncertain significance for Arrhythmogenic cardiomyopathy with wooly hair and keratoderma; Arrhythmogenic right ventricular dysplasia 8; Lethal acantholytic epidermolysis bullosa; Keratosis palmoplantaris striata 2; Cardiomyopathy, dilated, with wooly hair, keratoderma, and tooth agenesis. Last evaluated: 2021-09-16. Review status: criteria provided, single submitter. Criteria: ACMG Guidelines, 2015. Collection method: clinical testing. Allele origin: unknown.

Blueprint Genetics
Classification: Likely benign. Last evaluated: 2019-09-05. Review status: criteria provided, single submitter. Criteria: ACMG Guidelines, 2015. Collection method: clinical testing. Allele origin: germline.

NM_004415.4(DSP):c.5285G>A (p.Arg1762Gln)

Gene: DSP (desmoplakin; plus strand). Cytogenetic location: 6p24.3.
Variant type: single nucleotide variant.
Coding change: c.5285G>A on transcript NM_004415.4 (MANE Select); coding-DNA position 5285, G replaced by A.
Protein change: p.Arg1762Gln; replaces arginine 1762 with glutamine.
Molecular consequence: missense variant. On other transcripts: intron variant (2).
Genome position (GRCh38, 1-based): chr6:7,581,475, G>A. VCF-style: chr6-7581475-G-A. GRCh37 (hg19) VCF-style: chr6-7581708-G-A.
Other names: c.5285G>A (LRG_423t1, NM_004415.3); c.4051-1167G>A (NM_001319034.2); c.3583-1167G>A (NM_001008844.3); short protein forms R1762Q.
Identifiers: ClinVar variation 519548 (VCV000519548.24), dbSNP rs751849031, ClinGen allele CA044513.